The following is an entry in ClinVar:

ClinVar aggregate classification (germline): Uncertain significance (1 of 4 stars; one submission).

Conditions:
Bethlem myopathy 1A. Also called: MYOPATHY, BENIGN CONGENITAL, WITH CONTRACTURES; Bethlem Muscular Dystrophy; Bethlem myopathy 1. Identifiers: Orphanet 610, MedGen CN029274, MONDO:0024530, OMIM 158810.

Submission:

Labcorp Genetics (formerly Invitae), Labcorp
Classification: Uncertain significance for Bethlem myopathy 1A. Last evaluated: 2025-05-29. Review status: criteria provided, single submitter. Criteria: Invitae Variant Classification Sherloc (09022015). Collection method: clinical testing. Allele origin: germline.
Comment: This sequence change replaces lysine, which is basic and polar, with glutamic acid, which is acidic and polar, at codon 166 of the COL6A3 protein (p.Lys166Glu). This variant is not present in population databases (gnomAD no frequency). This variant has not been reported in the literature in individuals affected with COL6A3-related conditions. ClinVar contains an entry for this variant (Variation ID: 1720657). Invitae Evidence Modeling of protein sequence and biophysical properties (such as structural, functional, and spatial information, amino acid conservation, physicochemical variation, residue mobility, and thermodynamic stability) indicates that this missense variant is not expected to disrupt COL6A3 protein function with a negative predictive value of 95%. In summary, the available evidence is currently insufficient to determine the role of this variant in disease. Therefore, it has been classified as a Variant of Uncertain Significance.

NM_004369.4(COL6A3):c.496A>G (p.Lys166Glu)

Gene: COL6A3 (collagen type VI alpha 3 chain; minus strand). Cytogenetic location: 2q37.3.
Variant type: single nucleotide variant.
Coding change: c.496A>G on transcript NM_004369.4 (MANE Select); coding-DNA position 496, A replaced by G.
Protein change: p.Lys166Glu; replaces lysine 166 with glutamic acid.
Molecular consequence: missense variant. On other transcripts: intron variant (4).
Genome position (GRCh38, 1-based): chr2:237,394,800, T>C on the plus strand (A>G on the coding strand, the complement: COL6A3 is on the minus strand). VCF-style: chr2-237394800-T-C. GRCh37 (hg19) VCF-style: chr2-238303443-T-C.
Other names: c.91+1927A>G (NM_057166.5, NM_057167.4, NM_057164.5 and 1 more transcripts); short protein forms K166E.
Identifiers: ClinVar variation 1720657 (VCV001720657.6), dbSNP rs2469973043, ClinGen allele CA351226910.